The following is an entry in ClinVar:

ClinVar aggregate classification (germline): Uncertain significance. Review status: criteria provided, multiple submitters, no conflicts (2 of 4 stars). 3 submissions from 3 submitters: Uncertain significance (3). Last evaluated 2025-08-03.

Conditions:
Inborn genetic diseases. Identifiers: MedGen C0950123, MeSH D030342.

Allele frequency attached by ClinVar (database versions not stated): ExAC 0.00001.

Submissions (3):

Labcorp Genetics (formerly Invitae), Labcorp
Classification: Uncertain significance. Last evaluated: 2025-08-03. Review status: criteria provided, single submitter. Criteria: Invitae Variant Classification Sherloc (09022015). Collection method: clinical testing. Allele origin: germline.
Comment: This sequence change replaces isoleucine, which is neutral and non-polar, with phenylalanine, which is neutral and non-polar, at codon 1549 of the SAMD9 protein (p.Ile1549Phe). This variant is present in population databases (rs768387962, gnomAD 0.004%). This variant has not been reported in the literature in individuals affected with SAMD9-related conditions. ClinVar contains an entry for this variant (Variation ID: 1915611). Invitae Evidence Modeling of protein sequence and biophysical properties (such as structural, functional, and spatial information, amino acid conservation, physicochemical variation, residue mobility, and thermodynamic stability) indicates that this missense variant is not expected to disrupt SAMD9 protein function with a negative predictive value of 95%. In summary, the available evidence is currently insufficient to determine the role of this variant in disease. Therefore, it has been classified as a Variant of Uncertain Significance.

Ambry Genetics
Classification: Uncertain significance for Inborn genetic diseases. Last evaluated: 2025-02-08. Review status: criteria provided, single submitter. Criteria: Ambry Variant Classification Scheme 2023. Collection method: clinical testing. Allele origin: germline.

GeneDx
Classification: Uncertain significance. Last evaluated: 2023-05-05. Review status: criteria provided, single submitter. Criteria: GeneDx Variant Classification Process June 2021. Collection method: clinical testing. Allele origin: germline. Affected: yes.
Comment: Not observed at significant frequency in large population cohorts (gnomAD); In silico analysis supports that this missense variant does not alter protein structure/function; Has not been previously published as pathogenic or benign to our knowledge; This variant is associated with the following publications: (PMID: 28545555)

NM_017654.4(SAMD9):c.4645A>T (p.Ile1549Phe)

Gene: SAMD9 (sterile alpha motif domain containing 9; minus strand). Cytogenetic location: 7q21.2.
Variant type: single nucleotide variant.
Coding change: c.4645A>T on transcript NM_017654.4 (MANE Select); coding-DNA position 4645, A replaced by T.
Protein change: p.Ile1549Phe; replaces isoleucine 1549 with phenylalanine.
Molecular consequence: missense variant.
Genome position (GRCh38, 1-based): chr7:93,101,453, T>A on the plus strand (A>T on the coding strand, the complement: SAMD9 is on the minus strand). VCF-style: chr7-93101453-T-A. GRCh37 (hg19) VCF-style: chr7-92730766-T-A.
Other names: c.4645A>T, p.Ile1549Phe (NM_001193307.2); c.4645A>T (NM_017654.3); short protein forms I1549F.
Identifiers: ClinVar variation 1915611 (VCV001915611.7), dbSNP rs768387962, ClinGen allele CA4342518.